The following is an entry in ClinVar:

ClinVar aggregate classification (germline): Uncertain significance (1 of 4 stars; one submission).

Conditions:
STAT3 gain of function. Identifiers: MedGen C4288261.
Hyper-IgE recurrent infection syndrome 1, autosomal dominant. Also called: STAT3 Hyper IgE Syndrome; Hyper-IgE recurrent infection syndrome 1; JOB SYNDROME; HYPER-IgE SYNDROME 1, AUTOSOMAL DOMINANT, WITH RECURRENT INFECTIONS; Job's Syndrome. Identifiers: Orphanet 2314, MedGen C2936739, MONDO:0007818, OMIM 147060.

Submission:

Labcorp Genetics (formerly Invitae), Labcorp
Classification: Uncertain significance for STAT3 gain of function; Hyper-IgE recurrent infection syndrome 1, autosomal dominant. Last evaluated: 2023-10-16. Review status: criteria provided, single submitter. Criteria: Invitae Variant Classification Sherloc (09022015). Collection method: clinical testing. Allele origin: germline.
Comment: This sequence change falls in intron 2 of the STAT3 gene. It does not directly change the encoded amino acid sequence of the STAT3 protein. It affects a nucleotide within the consensus splice site. This variant is not present in population databases (gnomAD no frequency). This variant has not been reported in the literature in individuals affected with STAT3-related conditions. Variants that disrupt the consensus splice site are a relatively common cause of aberrant splicing (PMID: 17576681, 9536098). Algorithms developed to predict the effect of sequence changes on RNA splicing suggest that this variant is not likely to affect RNA splicing. In summary, the available evidence is currently insufficient to determine the role of this variant in disease. Therefore, it has been classified as a Variant of Uncertain Significance.

Literature cited by the submitters: PubMed 17576681; PubMed 9536098.

NM_139276.3(STAT3):c.128+3A>G

Gene: STAT3 (signal transducer and activator of transcription 3; minus strand). Cytogenetic location: 17q21.2.
Variant type: single nucleotide variant.
Coding change: c.128+3A>G on transcript NM_139276.3 (MANE Select); 3 bases into the intron after coding-DNA position 128, A replaced by G.
Molecular consequence: intron variant.
Genome position (GRCh38, 1-based): chr17:42,348,386, T>C on the plus strand (A>G on the coding strand, the complement: STAT3 is on the minus strand). VCF-style: chr17-42348386-T-C. GRCh37 (hg19) VCF-style: chr17-40500404-T-C.
Other names: c.128+3A>G (NM_001384989.1, NM_001384992.1, NM_001384984.1 and 17 more transcripts).
Identifiers: ClinVar variation 2952968 (VCV002952968.3), dbSNP rs2509543727, ClinGen allele CA2740095353.
Genomic context (GRCh38, chr17:42,348,386, plus strand): 5'-GTTCATGTCTCTTGACTCAAACTGAAACCTAACAATTTGGAGAGTCACTTAAGAAGGACT[T>C]ACCAATCTTGACTCTCAATCCAAGGGGCCAGAAACTGCCGCAGCTCCATTGGGAAGCTGT-3'